The following is an entry in ClinVar:

NM_003597.5(KLF11):c.850C>G (p.Pro284Ala)

Gene: KLF11 (KLF transcription factor 11; plus strand). Cytogenetic location: 2p25.1.
Variant type: single nucleotide variant.
Coding change: c.850C>G on transcript NM_003597.5 (MANE Select); coding-DNA position 850, C replaced by G.
Protein change: p.Pro284Ala; replaces proline 284 with alanine.
Molecular consequence: missense variant.
Genome position (GRCh38, 1-based): chr2:10,048,187, C>G. VCF-style: chr2-10048187-C-G. GRCh37 (hg19) VCF-style: chr2-10188314-C-G.
Other names: c.799C>G, p.Pro267Ala (NM_001177716.2, NM_001177718.2); short protein forms P267A, P284A.
Identifiers: ClinVar variation 3652550 (VCV003652550.2).

ClinVar aggregate classification (germline): Uncertain significance (1 of 4 stars; one submission).

gnomAD v4.1: 1 of 1,614,112 alleles (0.000062%); highest among the groups gnomAD compares: Admixed American, 0.0017%; no homozygotes.

Submission:

Labcorp Genetics (formerly Invitae), Labcorp
Classification: Uncertain significance. Last evaluated: 2024-05-07. Review status: criteria provided, single submitter. Criteria: Invitae Variant Classification Sherloc (09022015). Collection method: clinical testing. Allele origin: germline.
Comment: This sequence change replaces proline, which is neutral and non-polar, with alanine, which is neutral and non-polar, at codon 284 of the KLF11 protein (p.Pro284Ala). This variant is not present in population databases (gnomAD no frequency). This variant has not been reported in the literature in individuals affected with KLF11-related conditions. An algorithm developed to predict the effect of missense changes on protein structure and function (PolyPhen-2) suggests that this variant is likely to be disruptive. In summary, the available evidence is currently insufficient to determine the role of this variant in disease. Therefore, it has been classified as a Variant of Uncertain Significance.